The following is an entry in ClinVar:

ClinVar aggregate classification (germline): Uncertain significance (1 of 4 stars; one submission).

Conditions:
Tuberous sclerosis 2 (TSC2). Identifiers: Orphanet 805, MedGen C1860707, MONDO:0013199, OMIM 613254.

Submission:

Labcorp Genetics (formerly Invitae), Labcorp
Classification: Uncertain significance for Tuberous sclerosis 2. Last evaluated: 2021-12-09. Review status: criteria provided, single submitter. Criteria: Invitae Variant Classification Sherloc (09022015). Collection method: clinical testing. Allele origin: germline.
Comment: This sequence change replaces glycine, which is neutral and non-polar, with valine, which is neutral and non-polar, at codon 1443 of the TSC2 protein (p.Gly1443Val). This variant is not present in population databases (gnomAD no frequency). This variant has not been reported in the literature in individuals affected with TSC2-related conditions. ClinVar contains an entry for this variant (Variation ID: 1058594). Advanced modeling of protein sequence and biophysical properties (such as structural, functional, and spatial information, amino acid conservation, physicochemical variation, residue mobility, and thermodynamic stability) performed at Invitae indicates that this missense variant is not expected to disrupt TSC2 protein function. In summary, the available evidence is currently insufficient to determine the role of this variant in disease. Therefore, it has been classified as a Variant of Uncertain Significance.

NM_000548.5(TSC2):c.4328G>T (p.Gly1443Val)

Gene: TSC2 (TSC complex subunit 2; plus strand). Cytogenetic location: 16p13.3.
Variant type: single nucleotide variant.
Coding change: c.4328G>T on transcript NM_000548.5 (MANE Select); coding-DNA position 4328, G replaced by T.
Protein change: p.Gly1443Val; replaces glycine 1443 with valine.
Molecular consequence: missense variant.
Genome position (GRCh38, 1-based): chr16:2,084,550, G>T. VCF-style: chr16-2084550-G-T. GRCh37 (hg19) VCF-style: chr16-2134551-G-T.
Other names: c.4127G>T, p.Gly1376Val (NM_001077183.3); c.4259G>T, p.Gly1420Val (NM_001114382.3); c.4019G>T, p.Gly1340Val (NM_001318827.2); c.3983G>T, p.Gly1328Val (NM_001318829.2); c.3596G>T, p.Gly1199Val (NM_001318831.2); c.4160G>T, p.Gly1387Val (NM_001318832.2); c.4130G>T, p.Gly1377Val (NM_001363528.2); c.4196G>T, p.Gly1399Val (NM_001370404.1); and 1 more; short protein forms G1199V, G1328V, G1340V, G1376V, G1377V, G1387V, G1399V, G1400V.
Identifiers: ClinVar variation 1058594 (VCV001058594.7), dbSNP rs2090521873, ClinGen allele CA394301384.